The following is an entry in ClinVar:

NM_001267550.2(TTN):c.107529G>A (p.Met35843Ile)

Genes: TTN-AS1 (TTN antisense RNA 1; plus strand), TTN (titin; minus strand). Cytogenetic location: 2q31.2.
Variant type: single nucleotide variant.
Coding change: c.107529G>A on transcript NM_001267550.2 (MANE Select); coding-DNA position 107529, G replaced by A.
Protein change: p.Met35843Ile; replaces methionine 35843 with isoleucine.
Molecular consequence: missense variant.
Genome position (GRCh38, 1-based): chr2:178,527,597, C>T on the plus strand (G>A on the coding strand, the complement: TTN is on the minus strand). VCF-style: chr2-178527597-C-T. GRCh37 (hg19) VCF-style: chr2-179392324-C-T.
Other names: c.102606G>A, p.Met34202Ile (NM_001256850.1); c.80334G>A, p.Met26778Ile (NM_003319.4); c.99825G>A, p.Met33275Ile (NM_133378.4); c.80709G>A, p.Met26903Ile (NM_133432.3); c.80910G>A, p.Met26970Ile (NM_133437.4); short protein forms M26778I, M26903I, M34202I, M33275I, M35843I, M26970I.
Identifiers: ClinVar variation 2940825 (VCV002940825.3), dbSNP rs2468249025, ClinGen allele CA349400181.

ClinVar aggregate classification (germline): Uncertain significance (1 of 4 stars; one submission).

Conditions:
Dilated cardiomyopathy 1G (CMD1G). Identifiers: Orphanet 154, MedGen C1858763, MONDO:0011400, OMIM 604145.
Autosomal recessive limb-girdle muscular dystrophy type 2J (LGMDR10). Also called: Limb-girdle muscular dystrophy, type 2J; MUSCULAR DYSTROPHY, LIMB-GIRDLE, AUTOSOMAL RECESSIVE 10. Identifiers: Orphanet 140922, MedGen C1837342, MONDO:0012127, OMIM 608807.

Submission:

Labcorp Genetics (formerly Invitae), Labcorp
Classification: Uncertain significance for Dilated cardiomyopathy 1G; Autosomal recessive limb-girdle muscular dystrophy type 2J. Last evaluated: 2023-10-30. Review status: criteria provided, single submitter. Criteria: Invitae Variant Classification Sherloc (09022015). Collection method: clinical testing. Allele origin: germline.
Comment: This sequence change replaces methionine, which is neutral and non-polar, with isoleucine, which is neutral and non-polar, at codon 35843 of the TTN protein (p.Met35843Ile). This variant is not present in population databases (gnomAD no frequency). This variant has not been reported in the literature in individuals affected with TTN-related conditions. Experimental studies and prediction algorithms are not available or were not evaluated, and the functional significance of this variant is currently unknown. This variant is located in the M band of TTN (PMID: 25589632). Variants in this region may be relevant for neuromuscular disorders, but have not been definitively shown to cause cardiomyopathy (PMID: 23975875). In summary, the available evidence is currently insufficient to determine the role of this variant in disease. Therefore, it has been classified as a Variant of Uncertain Significance.

Literature cited by the submitters: PubMed 25589632; PubMed 23975875.